The following is an entry in ClinVar:

NM_144999.4(LRRC45):c.906G>A (p.Lys302=)

Gene: LRRC45 (leucine rich repeat containing 45; plus strand). Cytogenetic location: 17q25.3.
Variant type: single nucleotide variant.
Coding change: c.906G>A on transcript NM_144999.4 (MANE Select); coding-DNA position 906, G replaced by A.
Protein change: p.Lys302=; no amino-acid change (lysine 302 retained).
Molecular consequence: synonymous variant.
Genome position (GRCh38, 1-based): chr17:82,027,746, G>A. VCF-style: chr17-82027746-G-A. GRCh37 (hg19) VCF-style: chr17-79985622-G-A.
Identifiers: ClinVar variation 4981363 (VCV004981363.1).

ClinVar aggregate classification (germline): Likely benign (1 of 4 stars; one submission).

Conditions:
LRRC45-related disorder. Also called: LRRC45-related condition.

Submission:

PreventionGenetics, part of Exact Sciences
Classification: Likely benign for LRRC45-related condition. Last evaluated: 2024-11-27. Review status: criteria provided, single submitter. Criteria: ACMG Guidelines, 2015. Collection method: clinical testing. Allele origin: germline.
Comment: This variant is classified as likely benign based on ACMG/AMP sequence variant interpretation guidelines (Richards et al. 2015 PMID: 25741868, with internal and published modifications).